The following is an entry in ClinVar:

NM_144701.3(IL23R):c.1375G>C (p.Glu459Gln)

Gene: IL23R (interleukin 23 receptor; plus strand). Cytogenetic location: 1p31.3.
Variant type: single nucleotide variant.
Coding change: c.1375G>C on transcript NM_144701.3 (MANE Select); coding-DNA position 1375, G replaced by C.
Protein change: p.Glu459Gln; replaces glutamic acid 459 with glutamine.
Molecular consequence: missense variant.
Genome position (GRCh38, 1-based): chr1:67,258,613, G>C. VCF-style: chr1-67258613-G-C. GRCh37 (hg19) VCF-style: chr1-67724296-G-C.
Other names: short protein forms E459Q.
Identifiers: ClinVar variation 2718394 (VCV002718394.3), dbSNP rs1290015647, ClinGen allele CA340727983.
Genomic context (GRCh38, chr1:67,258,613, plus strand): 5'-GAAATCTTCATCCCAGAACACAAGCCTACAGACTACAAGAAGGAGAATACAGGACCCCTG[G>C]AGACAAGAGACTACCCGCAAAACTCGCTATTCGACAATACTACAGTTGTATATATTCCTG-3'
Protein context (NP_653302.2, residues 449-469): DYKKENTGPL[Glu459Gln]TRDYPQNSLF

ClinVar aggregate classification (germline): Uncertain significance (1 of 4 stars; one submission).

gnomAD v4.1: 2 of 1,613,770 alleles (0.00012%); highest among the groups gnomAD compares: South Asian, 0.0011%; no homozygotes.

Submission:

Labcorp Genetics (formerly Invitae), Labcorp
Classification: Uncertain significance. Last evaluated: 2023-04-06. Review status: criteria provided, single submitter. Criteria: Invitae Variant Classification Sherloc (09022015). Collection method: clinical testing. Allele origin: germline.
Comment: In summary, the available evidence is currently insufficient to determine the role of this variant in disease. Therefore, it has been classified as a Variant of Uncertain Significance. An algorithm developed to predict the effect of missense changes on protein structure and function (PolyPhen-2) suggests that this variant is likely to be disruptive. This sequence change replaces glutamic acid, which is acidic and polar, with glutamine, which is neutral and polar, at codon 459 of the IL23R protein (p.Glu459Gln). This variant is present in population databases (no rsID available, gnomAD 0.003%). This variant has not been reported in the literature in individuals affected with IL23R-related conditions.